The following is an entry in ClinVar:

NM_032776.3(JMJD1C):c.3521A>G (p.His1174Arg)

Gene: JMJD1C (jumonji domain containing 1C; minus strand). Cytogenetic location: 10q21.3.
Variant type: single nucleotide variant.
Coding change: c.3521A>G on transcript NM_032776.3 (MANE Select); coding-DNA position 3521, A replaced by G.
Protein change: p.His1174Arg; replaces histidine 1174 with arginine.
Molecular consequence: missense variant. On other transcripts: non-coding transcript variant (1).
Genome position (GRCh38, 1-based): chr10:63,208,148, T>C on the plus strand (A>G on the coding strand, the complement: JMJD1C is on the minus strand). VCF-style: chr10-63208148-T-C. GRCh37 (hg19) VCF-style: chr10-64967908-T-C.
Other names: c.2975A>G, p.His992Arg (NM_001282948.2, NM_001318154.2); c.2657A>G, p.His886Arg (NM_001318153.2); c.3407A>G, p.His1136Arg (NM_001322252.2); c.2864A>G, p.His955Arg (NM_001322254.2, NM_001322258.2); c.3521A>G (NM_032776.1); short protein forms H955R, H992R, H1174R, H1136R, H886R.
Identifiers: ClinVar variation 1047599 (VCV001047599.9), dbSNP rs201744571, ClinGen allele CA5518418.

ClinVar aggregate classification (germline): Uncertain significance. Review status: criteria provided, multiple submitters, no conflicts (2 of 4 stars). 2 submissions from 2 submitters: Uncertain significance (2). Last evaluated 2025-02-24.

Conditions:
Early Myoclonic Encephalopathy. Identifiers: MedGen C0270855.

Allele frequency attached by ClinVar (database versions not stated): gnomAD exomes 0.00002 and below 0.00001; ExAC 0.00004; gnomAD 0.00006; TOPMed 0.00008; ESP Exome Variant Server 0.00025.
gnomAD v4.1: 11 of 1,613,564 alleles (0.00068%); highest among the groups gnomAD compares: African/African-American, 0.012%; no homozygotes.

Submissions (2):

Ambry Genetics
Classification: Uncertain significance. Last evaluated: 2025-02-24. Review status: criteria provided, single submitter. Criteria: Ambry Variant Classification Scheme 2023. Collection method: clinical testing. Allele origin: germline.

Labcorp Genetics (formerly Invitae), Labcorp
Classification: Uncertain significance for Early Myoclonic Encephalopathy. Last evaluated: 2023-02-14. Review status: criteria provided, single submitter. Criteria: Invitae Variant Classification Sherloc (09022015). Collection method: clinical testing. Allele origin: germline.
Comment: This sequence change replaces histidine, which is basic and polar, with arginine, which is basic and polar, at codon 1174 of the JMJD1C protein (p.His1174Arg). This variant is present in population databases (rs201744571, gnomAD 0.02%). This variant has not been reported in the literature in individuals affected with JMJD1C-related conditions. ClinVar contains an entry for this variant (Variation ID: 1047599). Advanced modeling of protein sequence and biophysical properties (such as structural, functional, and spatial information, amino acid conservation, physicochemical variation, residue mobility, and thermodynamic stability) performed at Invitae indicates that this missense variant is expected to disrupt JMJD1C protein function. In summary, the available evidence is currently insufficient to determine the role of this variant in disease. Therefore, it has been classified as a Variant of Uncertain Significance.